The following is an entry in ClinVar:

NM_004629.2(FANCG):c.989C>T (p.Pro330Leu)

Gene: FANCG (FA complementation group G; minus strand). Cytogenetic location: 9p13.3.
Variant type: single nucleotide variant.
Coding change: c.989C>T on transcript NM_004629.2 (MANE Select); coding-DNA position 989, C replaced by T.
Protein change: p.Pro330Leu; replaces proline 330 with leucine.
Molecular consequence: missense variant.
Genome position (GRCh38, 1-based): chr9:35,076,519, G>A on the plus strand (C>T on the coding strand, the complement: FANCG is on the minus strand). VCF-style: chr9-35076519-G-A. GRCh37 (hg19) VCF-style: chr9-35076516-G-A.
Other names: short protein forms P330L.
Identifiers: ClinVar variation 4619368 (VCV004619368.1).

ClinVar aggregate classification (germline): Uncertain significance (1 of 4 stars; one submission).

Conditions:
Inborn genetic diseases. Identifiers: MedGen C0950123, MeSH D030342.

Submission:

Ambry Genetics
Classification: Uncertain significance for Inborn genetic diseases. Last evaluated: 2025-10-10. Review status: criteria provided, single submitter. Criteria: Ambry Variant Classification Scheme 2023. Collection method: clinical testing. Allele origin: germline.
Comment: The p.P330L variant (also known as c.989C>T), located in coding exon 8 of the FANCG gene, results from a C to T substitution at nucleotide position 989. The proline at codon 330 is replaced by leucine, an amino acid with similar properties. This amino acid position is conserved. In addition, this alteration is predicted to be tolerated by in silico analysis. Based on the available evidence, the clinical significance of this variant remains unclear.